The following is an entry in ClinVar:

NM_198407.2(GHSR):c.829C>T (p.Leu277Phe)

Gene: GHSR (growth hormone secretagogue receptor; minus strand). Cytogenetic location: 3q26.31.
Variant type: single nucleotide variant.
Coding change: c.829C>T on transcript NM_198407.2 (MANE Select); coding-DNA position 829, C replaced by T.
Protein change: p.Leu277Phe; replaces leucine 277 with phenylalanine.
Molecular consequence: missense variant.
Genome position (GRCh38, 1-based): chr3:172,445,433, G>A on the plus strand (C>T on the coding strand, the complement: GHSR is on the minus strand). VCF-style: chr3-172445433-G-A. GRCh37 (hg19) VCF-style: chr3-172163223-G-A.
Other names: short protein forms L277F.
Identifiers: ClinVar variation 2972583 (VCV002972583.3), dbSNP rs747711156, ClinGen allele CA2706352.

ClinVar aggregate classification (germline): Uncertain significance (1 of 4 stars; one submission).

Allele frequency attached by ClinVar (database versions not stated): ExAC 0.00001; gnomAD 0.00001; gnomAD exomes 0.00001; TOPMed 0.00001.

Submission:

Labcorp Genetics (formerly Invitae), Labcorp
Classification: Uncertain significance. Last evaluated: 2023-05-05. Review status: criteria provided, single submitter. Criteria: Invitae Variant Classification Sherloc (09022015). Collection method: clinical testing. Allele origin: germline.
Comment: In summary, the available evidence is currently insufficient to determine the role of this variant in disease. Therefore, it has been classified as a Variant of Uncertain Significance. Advanced modeling of protein sequence and biophysical properties (such as structural, functional, and spatial information, amino acid conservation, physicochemical variation, residue mobility, and thermodynamic stability) has been performed at Invitae for this missense variant, however the output from this modeling did not meet the statistical confidence thresholds required to predict the impact of this variant on GHSR protein function. This variant has not been reported in the literature in individuals affected with GHSR-related conditions. This variant is present in population databases (rs747711156, gnomAD 0.02%). This sequence change replaces leucine, which is neutral and non-polar, with phenylalanine, which is neutral and non-polar, at codon 277 of the GHSR protein (p.Leu277Phe).